The following is an entry in ClinVar:

ClinVar aggregate classification (germline): Uncertain significance (1 of 4 stars; one submission).

Conditions:
Dilated cardiomyopathy 1DD (CMD1DD). Identifiers: Orphanet 154, MedGen C2750995, MONDO:0013168, OMIM 613172.

Submission:

Labcorp Genetics (formerly Invitae), Labcorp
Classification: Uncertain significance for Dilated cardiomyopathy 1DD. Last evaluated: 2019-06-05. Review status: criteria provided, single submitter. Criteria: Invitae Variant Classification Sherloc (09022015). Collection method: clinical testing. Allele origin: germline.
Comment: In summary, the available evidence is currently insufficient to determine the role of this variant in disease. Therefore, it has been classified as a Variant of Uncertain Significance. Algorithms developed to predict the effect of missense changes on protein structure and function are either unavailable or do not agree on the potential impact of this missense change (SIFT: "Not Available"; PolyPhen-2: "Probably Damaging"; Align-GVGD: "Class C0"). This variant has not been reported in the literature in individuals with RBM20-related conditions. This variant is not present in population databases (ExAC no frequency). This sequence change replaces leucine with proline at codon 399 of the RBM20 protein (p.Leu399Pro). The leucine residue is weakly conserved and there is a moderate physicochemical difference between leucine and proline.

NM_001134363.3(RBM20):c.1196T>C (p.Leu399Pro)

Gene: RBM20 (RNA binding motif protein 20; plus strand). Cytogenetic location: 10q25.2.
Variant type: single nucleotide variant.
Coding change: c.1196T>C on transcript NM_001134363.3 (MANE Select); coding-DNA position 1196, T replaced by C.
Protein change: p.Leu399Pro; replaces leucine 399 with proline.
Molecular consequence: missense variant.
Genome position (GRCh38, 1-based): chr10:110,781,805, T>C. VCF-style: chr10-110781805-T-C. GRCh37 (hg19) VCF-style: chr10-112541563-T-C.
Other names: short protein forms L399P.
Identifiers: ClinVar variation 951240 (VCV000951240.9), dbSNP rs916046415, ClinGen allele CA213235151.